The following is an entry in ClinVar:

ClinVar aggregate classification (germline): Likely benign. Review status: criteria provided, single submitter (1 of 4 stars). 2 submissions from 2 submitters: Likely benign (1). 1 of the submissions does not count toward it. Last evaluated 2019-02-11.

Conditions:
SLC2A10-related disorder. Also called: SLC2A10-related condition.
Arterial tortuosity syndrome (ATORS). Identifiers: Orphanet 3342, MedGen C1859726, MONDO:0008818, OMIM 208050.

Allele frequency attached by ClinVar (database versions not stated): TOPMed below 0.00001.

Submissions (2):

Labcorp Genetics (formerly Invitae), Labcorp
Classification: Likely benign for Arterial tortuosity syndrome. Last evaluated: 2019-02-11. Review status: criteria provided, single submitter. Criteria: Invitae Variant Classification Sherloc (09022015). Collection method: clinical testing. Allele origin: germline.

PreventionGenetics, part of Exact Sciences
Classification: Likely benign for SLC2A10-related condition. Last evaluated: 2021-09-16. Review status: no assertion criteria provided. Collection method: clinical testing. Allele origin: germline. Not counted in ClinVar's aggregate classification.
Comment: This variant is classified as likely benign based on ACMG/AMP sequence variant interpretation guidelines (Richards et al. 2015 PMID: 25741868, with internal and published modifications).

NM_030777.4(SLC2A10):c.621C>G (p.Pro207=)

Gene: SLC2A10 (solute carrier family 2 member 10; plus strand). Cytogenetic location: 20q13.12.
Variant type: single nucleotide variant.
Coding change: c.621C>G on transcript NM_030777.4 (MANE Select); coding-DNA position 621, C replaced by G.
Protein change: p.Pro207=; no amino-acid change (proline 207 retained).
Molecular consequence: synonymous variant.
Genome position (GRCh38, 1-based): chr20:46,725,657, C>G. VCF-style: chr20-46725657-C-G. GRCh37 (hg19) VCF-style: chr20-45354296-C-G.
Other names: c.621C>G (NM_030777.3).
Identifiers: ClinVar variation 1147956 (VCV001147956.11), dbSNP rs1222577461, ClinGen allele CA510847771.